The following is an entry in ClinVar:

NM_001429.4(EP300):c.6495T>C (p.Ala2165=)

Gene: EP300 (E1A binding protein p300; plus strand). Cytogenetic location: 22q13.2.
Variant type: single nucleotide variant.
Coding change: c.6495T>C on transcript NM_001429.4 (MANE Select); coding-DNA position 6495, T replaced by C.
Protein change: p.Ala2165=; no amino-acid change (alanine 2165 retained).
Molecular consequence: synonymous variant.
Genome position (GRCh38, 1-based): chr22:41,178,206, T>C. VCF-style: chr22-41178206-T-C. GRCh37 (hg19) VCF-style: chr22-41574210-T-C.
Other names: c.6417T>C, p.Ala2139= (NM_001362843.2).
Identifiers: ClinVar variation 3354378 (VCV003354378.1).

ClinVar aggregate classification (germline): Likely benign (0 of 4 stars; one submission).

Conditions:
EP300-related disorder. Also called: EP300-related disorders; EP300-related condition.

gnomAD v4.1: 18 of 1,613,678 alleles (0.0011%); highest among the groups gnomAD compares: Non-Finnish European, 0.0014%; no homozygotes.

Submission:

PreventionGenetics, part of Exact Sciences
Classification: Likely benign for EP300-related condition. Last evaluated: 2023-09-26. Review status: no assertion criteria provided. Collection method: clinical testing. Allele origin: germline.
Comment: This variant is classified as likely benign based on ACMG/AMP sequence variant interpretation guidelines (Richards et al. 2015 PMID: 25741868, with internal and published modifications).